The following is an entry in ClinVar:

ClinVar aggregate classification (germline): Likely pathogenic. Review status: criteria provided, multiple submitters, no conflicts (2 of 4 stars). 2 submissions from 2 submitters: Likely pathogenic (2). Last evaluated 2025-07-23.

Conditions:
Episodic ataxia type 2 (EA2). Also called: ATAXIA, EPISODIC, WITH NYSTAGMUS; ATAXIA, FAMILIAL PAROXYSMAL; ACETAZOLAMIDE-RESPONSIVE HEREDITARY PAROXYSMAL CEREBELLAR ATAXIA; CEREBELLAR ATAXIA, PAROXYSMAL, ACETAZOLAMIDE-RESPONSIVE; CEREBELLOPATHY, HEREDITARY PAROXYSMAL; EPISODIC ATAXIA, NYSTAGMUS-ASSOCIATED. Identifiers: Orphanet 97, MedGen C1720416, MONDO:0007163, OMIM 108500.
Developmental and epileptic encephalopathy, 42 (DEE42A). Also called: DEVELOPMENTAL AND EPILEPTIC ENCEPHALOPATHY 42A; EPILEPTIC ENCEPHALOPATHY, EARLY INFANTILE, 42A; Epileptic encephalopathy, early infantile, 42. Identifiers: MedGen C4310716, MONDO:0014917, OMIM 617106.

Submissions (2):

Labcorp Genetics (formerly Invitae), Labcorp
Classification: Likely pathogenic for Developmental and epileptic encephalopathy, 42; Episodic ataxia type 2. Last evaluated: 2025-07-23. Review status: criteria provided, single submitter. Criteria: Invitae Variant Classification Sherloc (09022015). Collection method: clinical testing. Allele origin: germline.
Comment: This sequence change replaces serine, which is neutral and polar, with proline, which is neutral and non-polar, at codon 1799 of the CACNA1A protein (p.Ser1799Pro). This variant is not present in population databases (gnomAD no frequency). This variant has not been reported in the literature in individuals affected with CACNA1A-related conditions. ClinVar contains an entry for this variant (Variation ID: 624124). Invitae Evidence Modeling of protein sequence and biophysical properties (such as structural, functional, and spatial information, amino acid conservation, physicochemical variation, residue mobility, and thermodynamic stability) indicates that this missense variant is expected to disrupt CACNA1A protein function with a positive predictive value of 95%. This variant disrupts the p.Ser1799 amino acid residue in CACNA1A. Other variant(s) that disrupt this residue have been determined to be pathogenic (PMID: 24091540). This suggests that this residue is clinically significant, and that variants that disrupt this residue are likely to be disease-causing. In summary, the currently available evidence indicates that the variant is pathogenic, but additional data are needed to prove that conclusively. Therefore, this variant has been classified as Likely Pathogenic.

CeGaT Center for Human Genetics Tuebingen
Classification: Likely pathogenic. Last evaluated: 2018-10-01. Review status: criteria provided, single submitter. Criteria: CeGaT Center For Human Genetics Tuebingen Variant Classification Criteria Version 2. Collection method: clinical testing. Allele origin: germline. Affected: yes. Observed: 2 variant alleles.

Literature cited by the submitters: PubMed 24091540 (cited by Labcorp Genetics (formerly Invitae), Labcorp).

NM_001127222.2(CACNA1A):c.5392T>C (p.Ser1798Pro)

Gene: CACNA1A (calcium voltage-gated channel subunit alpha1 A; minus strand). Cytogenetic location: 19p13.13.
Variant type: single nucleotide variant.
Coding change: c.5392T>C on transcript NM_001127222.2 (MANE Select); coding-DNA position 5392, T replaced by C.
Protein change: p.Ser1798Pro; replaces serine 1798 with proline.
Molecular consequence: missense variant.
Genome position (GRCh38, 1-based): chr19:13,231,718, A>G on the plus strand (T>C on the coding strand, the complement: CACNA1A is on the minus strand). VCF-style: chr19-13231718-A-G. GRCh37 (hg19) VCF-style: chr19-13342532-A-G.
Other names: c.5410T>C, p.Ser1804Pro (NM_000068.4, NM_023035.3); c.5395T>C, p.Ser1799Pro (NM_001127221.2); c.5401T>C, p.Ser1801Pro (NM_001174080.2); short protein forms S1799P, S1798P, S1801P, S1804P.
Identifiers: ClinVar variation 624124 (VCV000624124.44), dbSNP rs1568443280, ClinGen allele CA404334255.